The following is an entry in ClinVar:

ClinVar aggregate classification (germline): Uncertain significance. Review status: criteria provided, multiple submitters, no conflicts (2 of 4 stars). 5 submissions from 5 submitters: Uncertain significance (5). Last evaluated 2026-06-26.

Conditions:
Cholestasis, progressive familial intrahepatic, 10 (PFIC10). Identifiers: MedGen C5676981, MONDO:0030810, OMIM 619868.
Congenital microvillous atrophy (DIAR2). Also called: Diarrhea 2 with microvillus atrophy, with or without cholestasis; Microvillus inclusion disease; CONGENITAL FAMILIAL PROTRACTED DIARRHEA WITH ENTEROCYTE BRUSH-BORDER ABNORMALITIES; DAVIDSON DISEASE; MICROVILLUS ATROPHY, CONGENITAL. Identifiers: Orphanet 2290, MedGen C0341306, MONDO:0009635, OMIM 251850.
MYO5B-related disorder. Also called: MYO5B-related condition.
Inborn genetic diseases. Identifiers: MedGen C0950123, MeSH D030342.

Allele frequency attached by ClinVar (database versions not stated): ExAC 0.00013; gnomAD exomes 0.00014; TOPMed 0.00015; 1000 Genomes Project 30x 0.00016; gnomAD 0.00023 and 0.00024.
gnomAD v4.1: 288 of 1,614,192 alleles (0.018%); highest among the groups gnomAD compares: Non-Finnish European, 0.023%; no homozygotes.

Submissions (5):

PreventionGenetics, part of Exact Sciences
Classification: Uncertain significance for MYO5B-related condition. Last evaluated: 2026-06-26. Review status: criteria provided, single submitter. Criteria: ACMG Guidelines, 2015. Collection method: clinical testing. Allele origin: germline.
Comment: The MYO5B c.4954T>A variant is predicted to result in the amino acid substitution p.Tyr1652Asn. To our knowledge, this variant has not been reported in the literature. This variant is reported in 0.025% of alleles in individuals of European (Non-Finnish) descent in gnomAD. At this time, the clinical significance of this variant is uncertain due to the absence of conclusive functional and genetic evidence.

Fulgent Genetics
Classification: Uncertain significance for Congenital microvillous atrophy; Cholestasis, progressive familial intrahepatic, 10. Last evaluated: 2024-02-06. Review status: criteria provided, single submitter. Criteria: ACMG Guidelines, 2015. Collection method: clinical testing. Allele origin: germline.

Labcorp Genetics (formerly Invitae), Labcorp
Classification: Uncertain significance. Last evaluated: 2024-01-02. Review status: criteria provided, single submitter. Criteria: Invitae Variant Classification Sherloc (09022015). Collection method: clinical testing. Allele origin: germline.
Comment: This sequence change replaces tyrosine, which is neutral and polar, with asparagine, which is neutral and polar, at codon 1652 of the MYO5B protein (p.Tyr1652Asn). The frequency data for this variant in the population databases is considered unreliable, as metrics indicate poor data quality at this position in the gnomAD database. This variant has not been reported in the literature in individuals affected with MYO5B-related conditions. ClinVar contains an entry for this variant (Variation ID: 888984). Advanced modeling of protein sequence and biophysical properties (such as structural, functional, and spatial information, amino acid conservation, physicochemical variation, residue mobility, and thermodynamic stability) performed at Invitae indicates that this missense variant is not expected to disrupt MYO5B protein function with a negative predictive value of 80%. In summary, the available evidence is currently insufficient to determine the role of this variant in disease. Therefore, it has been classified as a Variant of Uncertain Significance.

Ambry Genetics
Classification: Uncertain significance for Inborn genetic diseases. Last evaluated: 2021-06-11. Review status: criteria provided, single submitter. Criteria: Ambry Variant Classification Scheme 2023. Collection method: clinical testing. Allele origin: germline.

Illumina Laboratory Services, Illumina
Classification: Uncertain significance for Congenital microvillous atrophy. Last evaluated: 2018-01-13. Review status: criteria provided, single submitter. Criteria: ICSL Variant Classification Criteria 13 December 2019. Collection method: clinical testing. Allele origin: germline.

NM_001080467.3(MYO5B):c.4954T>A (p.Tyr1652Asn)

Genes: MYO5B (myosin VB; minus strand), SNHG22 (small nucleolar RNA host gene 22; plus strand). Cytogenetic location: 18q21.1.
Variant type: single nucleotide variant.
Coding change: c.4954T>A on transcript NM_001080467.3 (MANE Select); coding-DNA position 4954, T replaced by A.
Protein change: p.Tyr1652Asn; replaces tyrosine 1652 with asparagine.
Molecular consequence: missense variant.
Genome position (GRCh38, 1-based): chr18:49,837,701, A>T on the plus strand (T>A on the coding strand, the complement: MYO5B is on the minus strand). VCF-style: chr18-49837701-A-T. GRCh37 (hg19) VCF-style: chr18-47364071-A-T.
Other names: short protein forms Y1652N.
Identifiers: ClinVar variation 888984 (VCV000888984.10), dbSNP rs201466306, ClinGen allele CA8960182.